The following is an entry in ClinVar:

ClinVar aggregate classification (germline): Likely benign. Review status: criteria provided, single submitter (1 of 4 stars). 2 submissions from 2 submitters: Likely benign (1). 1 of the submissions does not count toward it. Last evaluated 2025-11-18.

Conditions:
EXTL3-related disorder. Also called: EXTL3-related condition.

Allele frequency attached by ClinVar (database versions not stated): TOPMed 0.00006; ESP Exome Variant Server 0.00008; ExAC 0.00009; gnomAD exomes 0.00009 and 0.00015; gnomAD 0.00011.
gnomAD v4.1: 226 of 1,606,900 alleles (0.014%); highest among the groups gnomAD compares: Non-Finnish European, 0.018%; no homozygotes.

Submissions (2):

Labcorp Genetics (formerly Invitae), Labcorp
Classification: Likely benign. Last evaluated: 2025-11-18. Review status: criteria provided, single submitter. Criteria: Invitae Variant Classification Sherloc (09022015). Collection method: clinical testing. Allele origin: germline.

PreventionGenetics, part of Exact Sciences
Classification: Likely benign for EXTL3-related condition. Last evaluated: 2021-04-28. Review status: no assertion criteria provided. Collection method: clinical testing. Allele origin: germline. Not counted in ClinVar's aggregate classification.
Comment: This variant is classified as likely benign based on ACMG/AMP sequence variant interpretation guidelines (Richards et al. 2015 PMID: 25741868, with internal and published modifications).

NM_001440.4(EXTL3):c.9C>T (p.Gly3=)

Gene: EXTL3 (exostosin like glycosyltransferase 3; plus strand). Cytogenetic location: 8p21.1.
Variant type: single nucleotide variant.
Coding change: c.9C>T on transcript NM_001440.4 (MANE Select); coding-DNA position 9, C replaced by T.
Protein change: p.Gly3=; no amino-acid change (glycine 3 retained).
Molecular consequence: synonymous variant.
Genome position (GRCh38, 1-based): chr8:28,716,068, C>T. VCF-style: chr8-28716068-C-T. GRCh37 (hg19) VCF-style: chr8-28573585-C-T.
Identifiers: ClinVar variation 713648 (VCV000713648.9), dbSNP rs371302609, ClinGen allele CA4695909.